The following is an entry in ClinVar:

NM_020366.4(RPGRIP1):c.1248G>A (p.Gln416=)

Gene: RPGRIP1 (RPGR interacting protein 1; plus strand). Cytogenetic location: 14q11.2.
Variant type: single nucleotide variant.
Coding change: c.1248G>A on transcript NM_020366.4 (MANE Select); coding-DNA position 1248, G replaced by A.
Protein change: p.Gln416=; no amino-acid change (glutamine 416 retained).
Molecular consequence: synonymous variant.
Genome position (GRCh38, 1-based): chr14:21,317,792, G>A. VCF-style: chr14-21317792-G-A. GRCh37 (hg19) VCF-style: chr14-21785951-G-A.
Other names: c.174G>A, p.Gln58= (NM_001377523.1, NM_001377948.1, NM_001377949.1 and 1 more transcripts); c.1248G>A (NM_020366.3).
Identifiers: ClinVar variation 1087427 (VCV001087427.10), dbSNP rs751275677, ClinGen allele CA7088916.

ClinVar aggregate classification (germline): Likely benign. Review status: criteria provided, multiple submitters, no conflicts (2 of 4 stars). 2 submissions from 2 submitters: Likely benign (2). Last evaluated 2025-07-25.

Conditions:
RPGRIP1-related disorder. Also called: RPGRIP1-related condition.
Leber congenital amaurosis 6 (LCA6). Identifiers: Orphanet 65, MedGen C1854260, MONDO:0013446, OMIM 613826.
Cone-rod dystrophy 13 (CORD13). Identifiers: Orphanet 1872, MedGen C2750720, MONDO:0011987, OMIM 608194.

Allele frequency attached by ClinVar (database versions not stated): gnomAD 0.00001; TOPMed 0.00002; gnomAD exomes 0.00003 and 0.00006; ExAC 0.00005.
gnomAD v4.1: 17 of 1,604,156 alleles (0.0011%); highest among the groups gnomAD compares: Admixed American, 0.029%; no homozygotes.

Submissions (2):

PreventionGenetics, part of Exact Sciences
Classification: Likely benign for RPGRIP1-related condition. Last evaluated: 2025-07-25. Review status: criteria provided, single submitter. Criteria: ACMG Guidelines, 2015. Collection method: clinical testing. Allele origin: germline.
Comment: This variant is classified as likely benign based on ACMG/AMP sequence variant interpretation guidelines (Richards et al. 2015 PMID: 25741868, with internal and published modifications).

Labcorp Genetics (formerly Invitae), Labcorp
Classification: Likely benign for Leber congenital amaurosis 6; Cone-rod dystrophy 13. Last evaluated: 2025-02-05. Review status: criteria provided, single submitter. Criteria: Invitae Variant Classification Sherloc (09022015). Collection method: clinical testing. Allele origin: germline.